The following is an entry in ClinVar:

NM_001365951.3(KIF1B):c.391A>G (p.Asn131Asp)

Genes: KIF1B (kinesin family member 1B; plus strand), LOC129388447 (MPRA-validated peak65 silencer; plus strand). Cytogenetic location: 1p36.22.
Variant type: single nucleotide variant.
Coding change: c.391A>G on transcript NM_001365951.3 (MANE Select); coding-DNA position 391, A replaced by G.
Protein change: p.Asn131Asp; replaces asparagine 131 with aspartic acid.
Molecular consequence: missense variant.
Genome position (GRCh38, 1-based): chr1:10,261,932, A>G. VCF-style: chr1-10261932-A-G. GRCh37 (hg19) VCF-style: chr1-10321990-A-G.
Other names: c.391A>G, p.Asn131Asp (NM_001365952.1, NM_001365953.1, NM_015074.3 and 1 more transcripts); short protein forms N131D.
Identifiers: ClinVar variation 1413972 (VCV001413972.9), dbSNP rs770849620, ClinGen allele CA580687.

ClinVar aggregate classification (germline): Uncertain significance. Review status: criteria provided, multiple submitters, no conflicts (2 of 4 stars). 2 submissions from 2 submitters: Uncertain significance (2). Last evaluated 2026-02-02.

Conditions:
Charcot-Marie-Tooth disease type 2. Also called: Charcot-Marie-Tooth type 2. Identifiers: Orphanet 64746, MedGen C0270914, MONDO:0018993.

Allele frequency attached by ClinVar (database versions not stated): gnomAD exomes below 0.00001 and 0.00001; ExAC 0.00001.
gnomAD v4.1: 4 of 1,612,156 alleles (0.00025%); highest among the groups gnomAD compares: East Asian, 0.0067%; no homozygotes.

Submissions (2):

Labcorp Genetics (formerly Invitae), Labcorp
Classification: Uncertain significance for Charcot-Marie-Tooth disease type 2. Last evaluated: 2026-02-02. Review status: criteria provided, single submitter. Criteria: Invitae Variant Classification Sherloc (09022015). Collection method: clinical testing. Allele origin: germline.
Comment: This sequence change replaces asparagine, which is neutral and polar, with aspartic acid, which is acidic and polar, at codon 131 of the KIF1B protein (p.Asn131Asp). This variant is present in population databases (rs770849620, gnomAD 0.01%). This variant has not been reported in the literature in individuals affected with KIF1B-related conditions. ClinVar contains an entry for this variant (Variation ID: 1413972). Invitae Evidence Modeling of protein sequence and biophysical properties (such as structural, functional, and spatial information, amino acid conservation, physicochemical variation, residue mobility, and thermodynamic stability) indicates that this missense variant is not expected to disrupt KIF1B protein function with a negative predictive value of 80%. In summary, the available evidence is currently insufficient to determine the role of this variant in disease. Therefore, it has been classified as a Variant of Uncertain Significance.

Ambry Genetics
Classification: Uncertain significance. Last evaluated: 2025-03-13. Review status: criteria provided, single submitter. Criteria: Ambry Variant Classification Scheme 2023. Collection method: clinical testing. Allele origin: germline.
Comment: The p.N131D variant (also known as c.391A>G), located in coding exon 4 of the KIF1B gene, results from an A to G substitution at nucleotide position 391. The asparagine at codon 131 is replaced by aspartic acid, an amino acid with highly similar properties. This amino acid position is highly conserved in available vertebrate species. In addition, this alteration is predicted to be tolerated by in silico analysis. The evidence for this gene-disease relationship is limited; therefore, the clinical significance of this alteration is unclear.